The following is an entry in ClinVar:

ClinVar aggregate classification (germline): Likely benign. Review status: criteria provided, multiple submitters, no conflicts (2 of 4 stars). 2 submissions from 2 submitters: Likely benign (2). Last evaluated 2025-06-30.

Conditions:
Succinyl-CoA acetoacetate transferase deficiency (SCOTD). Also called: 3-Oxoacid CoA Transferase Deficiency; KETOACIDOSIS DUE TO SCOT DEFICIENCY; SCOT DEFICIENCY; SUCCINYL-CoA:3-KETOACID CoA-TRANSFERASE DEFICIENCY; Succinyl CoA:3-oxoacid CoA transferase deficiency. Identifiers: Orphanet 832, MedGen C0342792, MONDO:0009492, OMIM 245050.

gnomAD v4.1: 1 of 1,613,414 alleles (0.000062%); highest among the groups gnomAD compares: Non-Finnish European, 0.000085%; no homozygotes.

Submissions (2):

Mayo Clinic Laboratories, Mayo Clinic
Classification: Likely benign. Last evaluated: 2025-06-30. Review status: criteria provided, single submitter. Criteria: ACMG Guidelines, 2015. Collection method: clinical testing. Allele origin: germline. Observed: 1 variant allele.
Comment: BP4, BP7

Labcorp Genetics (formerly Invitae), Labcorp
Classification: Likely benign for Succinyl-CoA acetoacetate transferase deficiency. Last evaluated: 2024-05-02. Review status: criteria provided, single submitter. Criteria: Invitae Variant Classification Sherloc (09022015). Collection method: clinical testing. Allele origin: germline.

NM_000436.4(OXCT1):c.564+8A>G

Gene: OXCT1 (3-oxoacid CoA-transferase 1; minus strand). Cytogenetic location: 5p13.1.
Variant type: single nucleotide variant.
Coding change: c.564+8A>G on transcript NM_000436.4 (MANE Select); 8 bases into the intron after coding-DNA position 564, A replaced by G.
Molecular consequence: intron variant.
Genome position (GRCh38, 1-based): chr5:41,850,022, T>C on the plus strand (A>G on the coding strand, the complement: OXCT1 is on the minus strand). VCF-style: chr5-41850022-T-C. GRCh37 (hg19) VCF-style: chr5-41850124-T-C.
Other names: p.?; c.564+8A>G (NM_001364301.2, NM_001364302.2); c.585+8A>G (NM_001364299.2, NM_001364300.2).
Identifiers: ClinVar variation 3630282 (VCV003630282.3).